The following is an entry in ClinVar:

ClinVar aggregate classification (germline): Uncertain significance (1 of 4 stars; one submission).

Submission:

Labcorp Genetics (formerly Invitae), Labcorp
Classification: Uncertain significance. Last evaluated: 2022-05-18. Review status: criteria provided, single submitter. Criteria: Invitae Variant Classification Sherloc (09022015). Collection method: clinical testing. Allele origin: germline.
Comment: In summary, the available evidence is currently insufficient to determine the role of this variant in disease. Therefore, it has been classified as a Variant of Uncertain Significance. Algorithms developed to predict the effect of missense changes on protein structure and function are either unavailable or do not agree on the potential impact of this missense change (SIFT: "Deleterious"; PolyPhen-2: "Probably Damaging"; Align-GVGD: "Class C0"). This variant has not been reported in the literature in individuals affected with SIPA1L3-related conditions. This variant is not present in population databases (gnomAD no frequency). This sequence change replaces serine, which is neutral and polar, with phenylalanine, which is neutral and non-polar, at codon 1205 of the SIPA1L3 protein (p.Ser1205Phe).

NM_015073.3(SIPA1L3):c.3614C>T (p.Ser1205Phe)

Gene: SIPA1L3 (signal induced proliferation associated 1 like 3; plus strand). Cytogenetic location: 19q13.13.
Variant type: single nucleotide variant.
Coding change: c.3614C>T on transcript NM_015073.3 (MANE Select); coding-DNA position 3614, C replaced by T.
Protein change: p.Ser1205Phe; replaces serine 1205 with phenylalanine.
Molecular consequence: missense variant.
Genome position (GRCh38, 1-based): chr19:38,152,920, C>T. VCF-style: chr19-38152920-C-T. GRCh37 (hg19) VCF-style: chr19-38643560-C-T.
Other names: short protein forms S1205F.
Identifiers: ClinVar variation 1996052 (VCV001996052.4), dbSNP rs2513774495, ClinGen allele CA405619185.